The following is an entry in ClinVar:

ClinVar aggregate classification (germline): Pathogenic/Likely pathogenic. Review status: criteria provided, multiple submitters, no conflicts (2 of 4 stars). 7 submissions from 7 submitters: Pathogenic (1); Likely pathogenic (4). 2 of the submissions do not count toward it. Last evaluated 2026-01-29.

Conditions:
Biotinidase deficiency. Also called: Biotin deficiency; BTD deficiency; Late-onset biotin-responsive multiple carboxylase deficiency. Identifiers: Orphanet 79241, MedGen C0220754, MONDO:0009665, OMIM 253260.

Allele frequency attached by ClinVar (database versions not stated): gnomAD exomes below 0.00001 and 0.00001; gnomAD 0.00001; ExAC 0.00003; TOPMed 0.00005; ESP Exome Variant Server 0.00008.

Submissions (7):

Natera, Inc.
Classification: Likely pathogenic for Biotinidase deficiency. Last evaluated: 2026-01-29. Review status: criteria provided, single submitter. Criteria: Natera Variant Classification Schema (03/2026). Collection method: clinical testing. Allele origin: germline.
Comment: The c.250-15del variant in BTD is a deletion variant in an intronic region. This variant is rare in the general population with a frequency below the threshold expected for the associated phenotype(s). This variant has been observed in one or more individuals affected with the associated recessive disease, as either homozygous or compound heterozygous with a second variant (PMID: 24797656, 30912303, 26810761, 38299772). This variant has been identified in one or more affected individual with a phenotype highly consistent with the associated gene (PMID: 24797656). Functional studies show that this variant may disrupt protein function (PMID: 24797656). Multiple computational prediction algorithms suggest this variant is unlikely to affect gene or protein function. Given the available evidence, this variant is classified as Likely Pathogenic.

Labcorp Genetics (formerly Invitae), Labcorp
Classification: Pathogenic for Biotinidase deficiency. Last evaluated: 2024-10-23. Review status: criteria provided, single submitter. Criteria: Invitae Variant Classification Sherloc (09022015). Collection method: clinical testing. Allele origin: germline.
Comment: This sequence change falls in intron 2 of the BTD gene. It does not directly change the encoded amino acid sequence of the BTD protein. It affects a nucleotide within the consensus splice site. This variant is present in population databases (rs587783008, gnomAD 0.01%). This variant has been observed in individual(s) with biotinidase deficiency (PMID: 24797656, 26810761, 30912303). In at least one individual the data is consistent with being in trans (on the opposite chromosome) from a pathogenic variant. ClinVar contains an entry for this variant (Variation ID: 156006). Studies have shown that this variant alters BTD gene expression (PMID: 24797656). Variants that disrupt the consensus splice site are a relatively common cause of aberrant splicing (PMID: 17576681, 9536098). Algorithms developed to predict the effect of sequence changes on RNA splicing suggest that this variant may disrupt the consensus splice site. For these reasons, this variant has been classified as Pathogenic.

Fulgent Genetics
Classification: Likely pathogenic for Biotinidase deficiency. Last evaluated: 2024-02-19. Review status: criteria provided, single submitter. Criteria: ACMG Guidelines, 2015. Collection method: clinical testing. Allele origin: germline.

Women's Health and Genetics/Laboratory Corporation of America, LabCorp
Classification: Likely pathogenic for Biotinidase deficiency. Last evaluated: 2023-04-13. Review status: criteria provided, single submitter. Criteria: LabCorp Variant Classification Summary - May 2015. Collection method: clinical testing. Allele origin: germline.
Comment: Variant summary: BTD c.250-15delT, also referred to as c.310-15delT, alters a nucleotide located close to a canonical splice site and therefore could affect mRNA splicing, leading to a significantly altered protein sequence. Several computational tools predict a significant impact on normal splicing: One predicts the variant creates a 3' acceptor site, two predict the variant weakens a canonical 3' acceptor site, and one predicts the variant has no significant impact on splicing. However, a functional study found no evidence that the variant impacts splicing (Li_2014). The variant allele was found at a frequency of 8.3e-06 in 241528 control chromosomes (gnomAD). c.250-15delT has been reported in the literature in the compound heterozygous state in individuals affected with partial Biotinidase Deficiency, including at least one case where it was confirmed to be in trans with a pathogenic variant (e.g. Li_2014, Procter_2016, Carvalho_2019, Carvalho_2020). These data indicate that the variant may be associated with disease. Experimental evidence evaluating an impact of the variant found that although it does not appear to impact splicing, the variant may result in decreased mRNA expression (Li_2014). This study found that a patient who was compound heterozygous for the variant and the patient's mother, who was a heterozygous carrier, both exhibited decreased mRNA expression, approximately 40% and 65%, respectively, compared to control individuals. Three ClinVar submitters (evaluation after 2014) cite this variant as uncertain significance, likely pathogenic and pathogenic. Based on the evidence outlined above, the variant was classified as likely pathogenic.

Mendelics
Classification: Likely pathogenic for Biotinidase deficiency. Last evaluated: 2019-05-28. Review status: criteria provided, single submitter. Criteria: Mendelics Assertion Criteria 2017. Collection method: clinical testing. Allele origin: unknown.

Counsyl
Classification: Uncertain significance for Biotinidase deficiency. Last evaluated: 2018-05-29. Review status: no assertion criteria provided. Collection method: clinical testing. Allele origin: unknown. Not counted in ClinVar's aggregate classification.

Molecular Genetics Diagnostic Laboratory, Detroit Medical Center University Laboratories
Classification: Pathogenic for Biotinidase deficiency. Review status: no assertion criteria provided. Collection method: clinical testing. Allele origin: germline. Affected: yes. Observed: 1 variant allele. Not counted in ClinVar's aggregate classification.

Literature cited by the submitters: PubMed 24797656 (cited by 5 submitters); PubMed 30912303 (cited by 3 submitters); PubMed 26810761 (cited by 4 submitters); PubMed 38299772 (cited by Natera, Inc.); PubMed 17576681 (cited by Labcorp Genetics (formerly Invitae), Labcorp); PubMed 9536098 (cited by Labcorp Genetics (formerly Invitae), Labcorp); PubMed 25144890 (cited by Women's Health and Genetics/Laboratory Corporation of America, LabCorp); PubMed 31801038 (cited by Women's Health and Genetics/Laboratory Corporation of America, LabCorp).

NM_001370658.1(BTD):c.250-15del

Gene: BTD (biotinidase; plus strand). Cytogenetic location: 3p25.1.
Variant type: Deletion.
Coding change: c.250-15del on transcript NM_001370658.1 (MANE Select); 15 bases into the intron before coding-DNA position 250, one base deleted (T; older notation c.250-15delT).
Molecular consequence: intron variant.
Genome position (GRCh38, 1-based): chr3:15,641,893, T deleted. VCF-style (leftmost placement, unchanged base first): chr3-15641892-AT-A. GRCh37 (hg19) VCF-style: chr3-15683399-AT-A.
Other names: c.310-15delT (NM_000060.3); c.310-15del (NM_000060.4); c.250-15del (NM_001407364.1, NM_001407382.1, NM_001407377.1 and 36 more transcripts); c.313-15del (NM_001407381.1); c.250-15delT (NM_001370658.1).
Identifiers: ClinVar variation 156006 (VCV000156006.21), dbSNP rs587783008, ClinGen allele CA278444.